The following is an entry in ClinVar:

ClinVar aggregate classification (germline): Uncertain significance (1 of 4 stars; one submission).

Conditions:
Ataxia-telangiectasia-like disorder (ATLD). Identifiers: MedGen C1858391, MONDO:0011457.

Submission:

Labcorp Genetics (formerly Invitae), Labcorp
Classification: Uncertain significance for Ataxia-telangiectasia-like disorder. Last evaluated: 2018-04-11. Review status: criteria provided, single submitter. Criteria: Invitae Variant Classification Sherloc (09022015). Collection method: clinical testing. Allele origin: germline.
Comment: This sequence change replaces histidine with tyrosine at codon 63 of the MRE11 protein (p.His63Tyr). The histidine residue is highly conserved and there is a moderate physicochemical difference between histidine and tyrosine. This variant is not present in population databases (ExAC no frequency). In summary, the available evidence is currently insufficient to determine the role of this variant in disease. Therefore, it has been classified as a Variant of Uncertain Significance. Algorithms developed to predict the effect of missense changes on protein structure and function do not agree on the potential impact of this missense change (SIFT: "Deleterious"; PolyPhen-2: "Probably Damaging"; Align-GVGD: "Class C0"). This variant has not been reported in the literature in individuals with MRE11-related disease.

NM_005591.4(MRE11):c.187C>T (p.His63Tyr)

Gene: MRE11 (MRE11 double strand break repair nuclease; minus strand). Cytogenetic location: 11q21.
Variant type: single nucleotide variant.
Coding change: c.187C>T on transcript NM_005591.4 (MANE Select); coding-DNA position 187, C replaced by T.
Protein change: p.His63Tyr; replaces histidine 63 with tyrosine.
Molecular consequence: missense variant.
Genome position (GRCh38, 1-based): chr11:94,486,051, G>A on the plus strand (C>T on the coding strand, the complement: MRE11 is on the minus strand). VCF-style: chr11-94486051-G-A. GRCh37 (hg19) VCF-style: chr11-94219217-G-A.
Other names: c.187C>T, p.His63Tyr (NM_001330347.2, NM_005590.4); short protein forms H63Y.
Identifiers: ClinVar variation 1051904 (VCV001051904.9), dbSNP rs2135122992, ClinGen allele CA382379817.